The following is an entry in ClinVar:

NM_006282.5(STK4):c.526-7A>G

Gene: STK4 (serine/threonine kinase 4; plus strand). Cytogenetic location: 20q13.12.
Variant type: single nucleotide variant.
Coding change: c.526-7A>G on transcript NM_006282.5 (MANE Select); 7 bases into the intron before coding-DNA position 526, A replaced by G.
Molecular consequence: intron variant.
Genome position (GRCh38, 1-based): chr20:44,995,083, A>G. VCF-style: chr20-44995083-A-G. GRCh37 (hg19) VCF-style: chr20-43623724-A-G.
Other names: c.526-7A>G (NM_001352385.2).
Identifiers: ClinVar variation 473299 (VCV000473299.13), dbSNP rs528301360, ClinGen allele CA9873829.

ClinVar aggregate classification (germline): Likely benign. Review status: criteria provided, multiple submitters, no conflicts (2 of 4 stars). 3 submissions from 3 submitters: Likely benign (3). Last evaluated 2026-01-04.

Conditions:
STK4-related disorder. Also called: STK4-related condition.
Combined immunodeficiency due to STK4 deficiency (IMD110). Also called: STK4 DEFICIENCY; MST1 DEFICIENCY; T-cell immunodeficiency, recurrent infections, and autoimmunity with or without cardiac malformations. Identifiers: Orphanet 314689, MedGen C3553943, MONDO:0013934, OMIM 614868.

Allele frequency attached by ClinVar (database versions not stated): gnomAD 0.00029; TOPMed 0.00017.
gnomAD v4.1: 364 of 1,572,870 alleles (0.023%); highest among the groups gnomAD compares: Middle Eastern, 0.05%; no homozygotes.

Submissions (3):

Labcorp Genetics (formerly Invitae), Labcorp
Classification: Likely benign for Combined immunodeficiency due to STK4 deficiency. Last evaluated: 2026-01-04. Review status: criteria provided, single submitter. Criteria: Invitae Variant Classification Sherloc (09022015). Collection method: clinical testing. Allele origin: germline.

PreventionGenetics, part of Exact Sciences
Classification: Likely benign for STK4-related condition. Last evaluated: 2025-12-13. Review status: criteria provided, single submitter. Criteria: ACMG Guidelines, 2015. Collection method: clinical testing. Allele origin: germline.
Comment: This variant is classified as likely benign based on ACMG/AMP sequence variant interpretation guidelines (Richards et al. 2015 PMID: 25741868, with internal and published modifications).

Blueprint Genetics
Classification: Likely benign. Last evaluated: 2024-11-20. Review status: criteria provided, single submitter. Criteria: ACMG Guidelines, 2015. Collection method: clinical testing. Allele origin: germline.